The following is an entry in ClinVar:

NM_000245.4(MET):c.1133T>G (p.Val378Gly)

Gene: MET (MET proto-oncogene, receptor tyrosine kinase; plus strand). Cytogenetic location: 7q31.2.
Variant type: single nucleotide variant.
Coding change: c.1133T>G on transcript NM_000245.4 (MANE Select); coding-DNA position 1133, T replaced by G.
Protein change: p.Val378Gly; replaces valine 378 with glycine.
Molecular consequence: missense variant. On other transcripts: intron variant (1).
Genome position (GRCh38, 1-based): chr7:116,700,217, T>G. VCF-style: chr7-116700217-T-G. GRCh37 (hg19) VCF-style: chr7-116340271-T-G.
Other names: c.1133T>G, p.Val378Gly (NM_001127500.3, NM_001324401.3); c.-91+27640T>G (NM_001324402.2); short protein forms V378G.
Identifiers: ClinVar variation 1054256 (VCV001054256.9), dbSNP rs2116606225, ClinGen allele CA368970612.

ClinVar aggregate classification (germline): Uncertain significance (1 of 4 stars; one submission).

Conditions:
Renal cell carcinoma. Identifiers: Orphanet 217071, MedGen C0007134, MeSH D002292, MONDO:0005086, HP:0005584.

Submission:

Labcorp Genetics (formerly Invitae), Labcorp
Classification: Uncertain significance for Renal cell carcinoma. Last evaluated: 2020-09-02. Review status: criteria provided, single submitter. Criteria: Invitae Variant Classification Sherloc (09022015). Collection method: clinical testing. Allele origin: germline.
Comment: This sequence change replaces valine with glycine at codon 378 of the MET protein (p.Val378Gly). The valine residue is moderately conserved and there is a moderate physicochemical difference between valine and glycine. This variant is not present in population databases (ExAC no frequency). This variant has not been reported in the literature in individuals with MET-related conditions. Algorithms developed to predict the effect of missense changes on protein structure and function are either unavailable or do not agree on the potential impact of this missense change (SIFT: "Deleterious"; PolyPhen-2: "Probably Damaging"; Align-GVGD: "Class C0"). In summary, the available evidence is currently insufficient to determine the role of this variant in disease. Therefore, it has been classified as a Variant of Uncertain Significance.